The following is an entry in ClinVar:

ClinVar aggregate classification (germline): Pathogenic (1 of 4 stars; one submission).

Submission:

Labcorp Genetics (formerly Invitae), Labcorp
Classification: Pathogenic. Last evaluated: 2023-01-07. Review status: criteria provided, single submitter. Criteria: Invitae Variant Classification Sherloc (09022015). Collection method: clinical testing. Allele origin: germline.
Comment: This missense change has been observed in individual(s) with autosomal dominant Alport syndrome (PMID: 15086897). It has also been observed to segregate with disease in related individuals. For these reasons, this variant has been classified as Pathogenic. This variant disrupts the p.Cys1634 amino acid residue in COL4A4. Other variant(s) that disrupt this residue have been determined to be pathogenic (Invitae). This suggests that this residue is clinically significant, and that variants that disrupt this residue are likely to be disease-causing. Advanced modeling of protein sequence and biophysical properties (such as structural, functional, and spatial information, amino acid conservation, physicochemical variation, residue mobility, and thermodynamic stability) has been performed at Invitae for this missense variant, however the output from this modeling did not meet the statistical confidence thresholds required to predict the impact of this variant on COL4A4 protein function. This variant is not present in population databases (gnomAD no frequency). This sequence change replaces cysteine, which is neutral and slightly polar, with serine, which is neutral and polar, at codon 1634 of the COL4A4 protein (p.Cys1634Ser).

Literature cited by the submitters: PubMed 15086897.

NM_000092.5(COL4A4):c.4900T>A (p.Cys1634Ser)

Gene: COL4A4 (collagen type IV alpha 4 chain; minus strand). Cytogenetic location: 2q36.3.
Variant type: single nucleotide variant.
Coding change: c.4900T>A on transcript NM_000092.5 (MANE Select); coding-DNA position 4900, T replaced by A.
Protein change: p.Cys1634Ser; replaces cysteine 1634 with serine.
Molecular consequence: missense variant.
Genome position (GRCh38, 1-based): chr2:227,007,498, A>T on the plus strand (T>A on the coding strand, the complement: COL4A4 is on the minus strand). VCF-style: chr2-227007498-A-T. GRCh37 (hg19) VCF-style: chr2-227872214-A-T.
Other names: short protein forms C1634S.
Identifiers: ClinVar variation 2734401 (VCV002734401.3), dbSNP rs1559393934, ClinGen allele CA351140225.
Genomic context (GRCh38, chr2:227,007,498, plus strand): 5'-TTGTGAGCCAGAAGCTATACTTATTTGCGAAAAAGTGGCAAGTTCCCTGCCGGCCCTGGC[A>T]TTCAAGGAATGGTGCTGCTCTGAAATCTTCCAGGCAGCTGCCAGGTGACATAAGGGCCTG-3'
Protein context (NP_000083.3, residues 1624-1644): EDFRAAPFLE[Cys1634Ser]QGRQGTCHFF